The following is an entry in ClinVar:

NM_000264.5(PTCH1):c.391G>C (p.Glu131Gln)

Gene: PTCH1 (patched 1; minus strand). Cytogenetic location: 9q22.32.
Variant type: single nucleotide variant.
Coding change: c.391G>C on transcript NM_000264.5 (MANE Select); coding-DNA position 391, G replaced by C.
Protein change: p.Glu131Gln; replaces glutamic acid 131 with glutamine.
Molecular consequence: missense variant. On other transcripts: 5 prime UTR variant (4), non-coding transcript variant (1).
Genome position (GRCh38, 1-based): chr9:95,506,410, C>G on the plus strand (G>C on the coding strand, the complement: PTCH1 is on the minus strand). VCF-style: chr9-95506410-C-G. GRCh37 (hg19) VCF-style: chr9-98268692-C-G.
Other names: c.193G>C, p.Glu65Gln (NM_001083602.3, NM_001354919.2); c.388G>C, p.Glu130Gln (NM_001083603.3); c.-63G>C (NM_001083604.3, NM_001083605.3, NM_001083606.3 and 1 more transcripts); c.391G>C, p.Glu131Gln (NM_001354918.2); short protein forms E131Q, E130Q, E65Q.
Identifiers: ClinVar variation 2840192 (VCV002840192.4), dbSNP rs1321623220, ClinGen allele CA374120136.

ClinVar aggregate classification (germline): Uncertain significance. Review status: criteria provided, multiple submitters, no conflicts (2 of 4 stars). 2 submissions from 2 submitters: Uncertain significance (2). Last evaluated 2026-07-06.

Conditions:
Gorlin syndrome. Also called: Nevoid Basal Cell Carcinoma Syndrome; Basal cell nevus syndrome. Identifiers: Orphanet 377, MedGen C0004779, MONDO:0007187.
Hereditary cancer-predisposing syndrome. Also called: Hereditary Cancer Syndrome; Hereditary neoplastic syndrome; Neoplastic Syndromes, Hereditary; Tumor predisposition. Identifiers: Orphanet 140162, MedGen C0027672, MeSH D009386, MONDO:0015356.

Submissions (2):

Ambry Genetics
Classification: Uncertain significance for Hereditary cancer-predisposing syndrome. Last evaluated: 2026-07-06. Review status: criteria provided, single submitter. Criteria: Ambry Variant Classification Scheme 2023. Collection method: clinical testing. Allele origin: germline.
Comment: The p.E65Q variant (also known as c.193G>C), located in coding exon 2 of the PTCH1 gene, results from a G to C substitution at nucleotide position 193. The glutamic acid at codon 65 is replaced by glutamine, an amino acid with highly similar properties. This amino acid position is conserved. In addition, this alteration is predicted to be deleterious by in silico analysis. Based on the available evidence, the clinical significance of this variant remains unclear.

Labcorp Genetics (formerly Invitae), Labcorp
Classification: Uncertain significance for Gorlin syndrome. Last evaluated: 2023-02-23. Review status: criteria provided, single submitter. Criteria: Invitae Variant Classification Sherloc (09022015). Collection method: clinical testing. Allele origin: germline.
Comment: This variant is not present in population databases (gnomAD no frequency). In summary, the available evidence is currently insufficient to determine the role of this variant in disease. Therefore, it has been classified as a Variant of Uncertain Significance. Advanced modeling of protein sequence and biophysical properties (such as structural, functional, and spatial information, amino acid conservation, physicochemical variation, residue mobility, and thermodynamic stability) performed at Invitae indicates that this missense variant is not expected to disrupt PTCH1 protein function. This variant has not been reported in the literature in individuals affected with PTCH1-related conditions. This sequence change replaces glutamic acid, which is acidic and polar, with glutamine, which is neutral and polar, at codon 131 of the PTCH1 protein (p.Glu131Gln).